The following is an entry in ClinVar:

ClinVar aggregate classification (germline): Likely benign. Review status: criteria provided, multiple submitters, no conflicts (2 of 4 stars). 3 submissions from 3 submitters: Likely benign (2). 1 of the submissions does not count toward it. Last evaluated 2025-12-17.

Conditions:
POLD1-related polyposis and colorectal cancer syndrome (CRCS10). Also called: Colorectal cancer, susceptibility to, 10; Colorectal cancer 10; COLORECTAL CANCER, SUSCEPTIBILITY TO, ON CHROMOSOME 19q. Identifiers: Orphanet 220460, MedGen C2675481, MONDO:0012953, OMIM 612591.

Submissions (3):

Labcorp Genetics (formerly Invitae), Labcorp
Classification: Likely benign for POLD1-related polyposis and colorectal cancer syndrome. Last evaluated: 2025-12-17. Review status: criteria provided, single submitter. Criteria: Invitae Variant Classification Sherloc (09022015). Collection method: clinical testing. Allele origin: germline.

GeneDx
Classification: Likely benign. Last evaluated: 2017-01-17. Review status: criteria provided, single submitter. Criteria: GeneDx Variant Classification (06012015). Collection method: clinical testing. Allele origin: germline. Affected: yes.
Comment: This variant is considered likely benign or benign based on one or more of the following criteria: it is a conservative change, it occurs at a poorly conserved position in the protein, it is predicted to be benign by multiple in silico algorithms, and/or has population frequency not consistent with disease.

Counsyl
Classification: Likely benign for POLD1-related polyposis and colorectal cancer syndrome. Last evaluated: 2017-08-17. Review status: no assertion criteria provided. Collection method: clinical testing. Allele origin: unknown. Not counted in ClinVar's aggregate classification.

NM_002691.4(POLD1):c.317-8C>T

Gene: POLD1 (DNA polymerase delta 1, catalytic subunit; plus strand). Cytogenetic location: 19q13.33.
Variant type: single nucleotide variant.
Coding change: c.317-8C>T on transcript NM_002691.4 (MANE Select); 8 bases into the intron before coding-DNA position 317, C replaced by T.
Molecular consequence: intron variant.
Genome position (GRCh38, 1-based): chr19:50,401,770, C>T. VCF-style: chr19-50401770-C-T. GRCh37 (hg19) VCF-style: chr19-50905027-C-T.
Other names: c.317-8C>T (LRG_785t1, LRG_785t2, NM_001256849.1 and 1 more transcripts).
Identifiers: ClinVar variation 393077 (VCV000393077.12), dbSNP rs1057524774, ClinGen allele CA16608324.